The following is an entry in ClinVar:

ClinVar aggregate classification (germline): Uncertain significance. Review status: criteria provided, multiple submitters, no conflicts (2 of 4 stars). 2 submissions from 2 submitters: Uncertain significance (2). Last evaluated 2025-11-16.

Conditions:
Distal myopathy with posterior leg and anterior hand involvement. Also called: WILLIAMS DISTAL MYOPATHY. Identifiers: Orphanet 63273, MedGen C3279722, MONDO:0013550, OMIM 614065.
Hypertrophic cardiomyopathy 26. Also called: Cardiomyopathy, familial hypertrophic, 26. Identifiers: Orphanet 75249, MedGen C4310749, MONDO:0014883, OMIM 617047.
Myofibrillar myopathy 5. Also called: FILAMINOPATHY, AUTOSOMAL DOMINANT; Filaminopathy (type). Identifiers: Orphanet 171445, MedGen C1836050, MONDO:0012289, OMIM 609524.
Cardiovascular phenotype. Identifiers: MedGen CN230736.

gnomAD v4.1: 2 of 1,614,226 alleles (0.00012%); highest among the groups gnomAD compares: African/African-American, 0.0013%; no homozygotes.

Submissions (2):

Labcorp Genetics (formerly Invitae), Labcorp
Classification: Uncertain significance for Distal myopathy with posterior leg and anterior hand involvement; Myofibrillar myopathy 5; Hypertrophic cardiomyopathy 26. Last evaluated: 2025-11-16. Review status: criteria provided, single submitter. Criteria: Invitae Variant Classification Sherloc (09022015). Collection method: clinical testing. Allele origin: germline.
Comment: This sequence change replaces isoleucine, which is neutral and non-polar, with valine, which is neutral and non-polar, at codon 1421 of the FLNC protein (p.Ile1421Val). This variant is not present in population databases (gnomAD no frequency). This variant has not been reported in the literature in individuals affected with FLNC-related conditions. ClinVar contains an entry for this variant (Variation ID: 4025645). Invitae Evidence Modeling of protein sequence and biophysical properties (such as structural, functional, and spatial information, amino acid conservation, physicochemical variation, residue mobility, and thermodynamic stability) has been performed for this missense variant. However, the output from this modeling did not meet the statistical confidence thresholds required to predict the impact of this variant on FLNC protein function. In summary, the available evidence is currently insufficient to determine the role of this variant in disease. Therefore, it has been classified as a Variant of Uncertain Significance.

Ambry Genetics
Classification: Uncertain significance for Cardiovascular phenotype. Last evaluated: 2025-05-01. Review status: criteria provided, single submitter. Criteria: Ambry Variant Classification Scheme 2023. Collection method: clinical testing. Allele origin: germline.

NM_001458.5(FLNC):c.4261A>G (p.Ile1421Val)

Gene: FLNC (filamin C; plus strand). Cytogenetic location: 7q32.1.
Variant type: single nucleotide variant.
Coding change: c.4261A>G on transcript NM_001458.5 (MANE Select); coding-DNA position 4261, A replaced by G.
Protein change: p.Ile1421Val; replaces isoleucine 1421 with valine.
Molecular consequence: missense variant.
Genome position (GRCh38, 1-based): chr7:128,846,878, A>G. VCF-style: chr7-128846878-A-G. GRCh37 (hg19) VCF-style: chr7-128486932-A-G.
Other names: c.4261A>G, p.Ile1421Val (NM_001127487.2); short protein forms I1421V.
Identifiers: ClinVar variation 4025645 (VCV004025645.2).